The following is an entry in ClinVar:

ClinVar aggregate classification (germline): Uncertain significance (1 of 4 stars; one submission).

Conditions:
Primary ciliary dyskinesia. Also called: Ciliary dyskinesia. Identifiers: Orphanet 244, MedGen C0008780, MONDO:0016575, HP:0012265.

Submission:

Labcorp Genetics (formerly Invitae), Labcorp
Classification: Uncertain significance for Primary ciliary dyskinesia. Last evaluated: 2024-04-05. Review status: criteria provided, single submitter. Criteria: Invitae Variant Classification Sherloc (09022015). Collection method: clinical testing. Allele origin: germline.
Comment: This sequence change replaces leucine, which is neutral and non-polar, with phenylalanine, which is neutral and non-polar, at codon 3722 of the DNAH11 protein (p.Leu3722Phe). This variant is not present in population databases (gnomAD no frequency). This variant has not been reported in the literature in individuals affected with DNAH11-related conditions. ClinVar contains an entry for this variant (Variation ID: 1492175). Advanced modeling of protein sequence and biophysical properties (such as structural, functional, and spatial information, amino acid conservation, physicochemical variation, residue mobility, and thermodynamic stability) performed at Invitae indicates that this missense variant is not expected to disrupt DNAH11 protein function with a negative predictive value of 95%. This variant disrupts the p.Leu3722 amino acid residue in DNAH11. Other variant(s) that disrupt this residue have been determined to be pathogenic (Invitae). This suggests that this residue is clinically significant, and that variants that disrupt this residue are likely to be disease-causing. In summary, the available evidence is currently insufficient to determine the role of this variant in disease. Therefore, it has been classified as a Variant of Uncertain Significance.

NM_001277115.2(DNAH11):c.11164C>T (p.Leu3722Phe)

Gene: DNAH11 (dynein axonemal heavy chain 11; plus strand). Cytogenetic location: 7p15.3.
Variant type: single nucleotide variant.
Coding change: c.11164C>T on transcript NM_001277115.2 (MANE Select); coding-DNA position 11164, C replaced by T.
Protein change: p.Leu3722Phe; replaces leucine 3722 with phenylalanine.
Molecular consequence: missense variant.
Genome position (GRCh38, 1-based): chr7:21,854,417, C>T. VCF-style: chr7-21854417-C-T. GRCh37 (hg19) VCF-style: chr7-21894035-C-T.
Other names: short protein forms L3722F.
Identifiers: ClinVar variation 1492175 (VCV001492175.8), dbSNP rs2128025450, ClinGen allele CA366960138.